The following is an entry in ClinVar:

NM_000053.4(ATP7B):c.4388A>G (p.Gln1463Arg)

Gene: ATP7B (ATPase copper transporting beta; minus strand). Cytogenetic location: 13q14.3.
Variant type: single nucleotide variant.
Coding change: c.4388A>G on transcript NM_000053.4 (MANE Select); coding-DNA position 4388, A replaced by G.
Protein change: p.Gln1463Arg; replaces glutamine 1463 with arginine.
Molecular consequence: missense variant.
Genome position (GRCh38, 1-based): chr13:51,934,766, T>C on the plus strand (A>G on the coding strand, the complement: ATP7B is on the minus strand). VCF-style: chr13-51934766-T-C. GRCh37 (hg19) VCF-style: chr13-52508902-T-C.
Other names: c.3767A>G, p.Gln1256Arg (NM_001005918.3); c.4055A>G, p.Gln1352Arg (NM_001243182.2); c.4154A>G, p.Gln1385Arg (NM_001330578.2); c.4136A>G, p.Gln1379Arg (NM_001330579.2); short protein forms Q1379R, Q1256R, Q1352R, Q1385R, Q1463R.
Identifiers: ClinVar variation 802992 (VCV000802992.9), dbSNP rs202131204, ClinGen allele CA388018587.

ClinVar aggregate classification (germline): Uncertain significance. Review status: criteria provided, multiple submitters, no conflicts (2 of 4 stars). 4 submissions from 4 submitters: Uncertain significance (4). Last evaluated 2023-08-28.

Conditions:
Wilson disease (WND). Also called: Wilson's disease. Identifiers: Orphanet 905, MedGen C0019202, MONDO:0010200, OMIM 277900. Disease mechanism: loss of function.

gnomAD v4.1: 1 of 1,613,812 alleles (0.000062%); highest among the groups gnomAD compares: Non-Finnish European, 0.000085%; no homozygotes.

Submissions (4):

All of Us Research Program, National Institutes of Health
Classification: Uncertain significance for Wilson disease. Last evaluated: 2023-08-28. Review status: criteria provided, single submitter. Criteria: ACMG Guidelines, 2015. Collection method: clinical testing. Allele origin: germline. Inheritance: Autosomal recessive inheritance. Observed: 1 variant allele, 1 heterozygote.
Comment: This missense variant replaces glutamine with arginine at codon 1463 of the ATP7B protein. Computational prediction suggests that this variant may not impact protein structure and function (internally defined REVEL score threshold <= 0.5, PMID: 27666373). To our knowledge, functional studies have not been reported for this variant. This variant has not been reported in individuals affected with ATP7B-related disorders in the literature. This variant has not been identified in the general population by the Genome Aggregation Database (gnomAD). The available evidence is insufficient to determine the role of this variant in disease conclusively. Therefore, this variant is classified as a Variant of Uncertain Significance.

This study involves interpretation of variants in research participants for the purpose of population health screening. Participant phenotype was not available at the time of variant classification. Additional details can be found in publication PMID: 35346344, PMCID: PMC8962531

Genome-Nilou Lab
Classification: Uncertain significance for Wilson disease. Last evaluated: 2021-09-05. Review status: criteria provided, single submitter. Criteria: ACMG Guidelines, 2015. Collection method: clinical testing. Allele origin: germline. Affected: no.

Labcorp Genetics (formerly Invitae), Labcorp
Classification: Uncertain significance for Wilson disease. Last evaluated: 2021-08-27. Review status: criteria provided, single submitter. Criteria: Invitae Variant Classification Sherloc (09022015). Collection method: clinical testing. Allele origin: germline.
Comment: This sequence change replaces glutamine with arginine at codon 1463 of the ATP7B protein (p.Gln1463Arg). The glutamine residue is moderately conserved and there is a small physicochemical difference between glutamine and arginine. This variant is not present in population databases (ExAC no frequency). This variant has not been reported in the literature in individuals affected with ATP7B-related conditions. Algorithms developed to predict the effect of missense changes on protein structure and function are either unavailable or do not agree on the potential impact of this missense change (SIFT: "Deleterious"; PolyPhen-2: "Possibly Damaging"; Align-GVGD: "Class C0"). In summary, the available evidence is currently insufficient to determine the role of this variant in disease. Therefore, it has been classified as a Variant of Uncertain Significance.

Mendelics
Classification: Uncertain significance for Wilson disease. Last evaluated: 2019-05-28. Review status: criteria provided, single submitter. Criteria: Mendelics Assertion Criteria 2017. Collection method: clinical testing. Allele origin: unknown.